The following is an entry in ClinVar:

NM_015335.5(MED13L):c.2509G>T (p.Val837Phe)

Gene: MED13L (mediator complex subunit 13L; minus strand). Cytogenetic location: 12q24.21.
Variant type: single nucleotide variant.
Coding change: c.2509G>T on transcript NM_015335.5 (MANE Select); coding-DNA position 2509, G replaced by T.
Protein change: p.Val837Phe; replaces valine 837 with phenylalanine.
Molecular consequence: missense variant.
Genome position (GRCh38, 1-based): chr12:116,003,063, C>A on the plus strand (G>T on the coding strand, the complement: MED13L is on the minus strand). VCF-style: chr12-116003063-C-A. GRCh37 (hg19) VCF-style: chr12-116440868-C-A.
Other names: short protein forms V837F.
Identifiers: ClinVar variation 2916138 (VCV002916138.4), dbSNP rs1878842526, ClinGen allele CA386891985.

ClinVar aggregate classification (germline): Uncertain significance. Review status: criteria provided, multiple submitters, no conflicts (2 of 4 stars). 2 submissions from 2 submitters: Uncertain significance (2). Last evaluated 2026-09-01.

Conditions:
Dextro-looped transposition of the great arteries. Also called: Dextrotransposition of the great arteries. Identifiers: Orphanet 860, MedGen C3531771, MONDO:0019443, OMIM 608808, HP:0031348.

Allele frequency attached by ClinVar (database versions not stated): TOPMed below 0.00001; gnomAD exomes 0.00002.
gnomAD v4.1: 13 of 1,614,160 alleles (0.00081%); highest among the groups gnomAD compares: Non-Finnish European, 0.001%; no homozygotes.

Submissions (2):

CeGaT Center for Human Genetics Tuebingen
Classification: Uncertain significance. Last evaluated: 2026-09-01. Review status: criteria provided, single submitter. Criteria: CeGaT Center For Human Genetics Tuebingen Variant Classification Criteria Version 2. Collection method: clinical testing. Allele origin: germline. Affected: yes. Observed: 1 variant allele.
Comment: MED13L: PP2, BP4

Labcorp Genetics (formerly Invitae), Labcorp
Classification: Uncertain significance for Dextro-looped transposition of the great arteries. Last evaluated: 2023-07-28. Review status: criteria provided, single submitter. Criteria: Invitae Variant Classification Sherloc (09022015). Collection method: clinical testing. Allele origin: germline.
Comment: In summary, the available evidence is currently insufficient to determine the role of this variant in disease. Therefore, it has been classified as a Variant of Uncertain Significance. Advanced modeling of protein sequence and biophysical properties (such as structural, functional, and spatial information, amino acid conservation, physicochemical variation, residue mobility, and thermodynamic stability) performed at Invitae indicates that this missense variant is not expected to disrupt MED13L protein function. This variant has not been reported in the literature in individuals affected with MED13L-related conditions. This variant is not present in population databases (gnomAD no frequency). This sequence change replaces valine, which is neutral and non-polar, with phenylalanine, which is neutral and non-polar, at codon 837 of the MED13L protein (p.Val837Phe).